The following is an entry in ClinVar:

NM_000094.4(COL7A1):c.2662G>C (p.Glu888Gln)

Gene: COL7A1 (collagen type VII alpha 1 chain; minus strand). Cytogenetic location: 3p21.31.
Variant type: single nucleotide variant.
Coding change: c.2662G>C on transcript NM_000094.4 (MANE Select); coding-DNA position 2662, G replaced by C.
Protein change: p.Glu888Gln; replaces glutamic acid 888 with glutamine.
Molecular consequence: missense variant.
Genome position (GRCh38, 1-based): chr3:48,588,330, C>G on the plus strand (G>C on the coding strand, the complement: COL7A1 is on the minus strand). VCF-style: chr3-48588330-C-G. GRCh37 (hg19) VCF-style: chr3-48625763-C-G.
Other names: short protein forms E888Q.
Identifiers: ClinVar variation 345865 (VCV000345865.13), dbSNP rs200523730, ClinGen allele CA2380795.

ClinVar aggregate classification (germline): Conflicting classifications of pathogenicity. Review status: criteria provided, conflicting classifications (1 of 4 stars). 3 submissions from 3 submitters: Uncertain significance (2); Likely benign (1). Last evaluated 2026-02-01.

Conditions:
COL7A1-related disorder. Also called: COL7A1- related disorders; COL7A1-related condition.
Epidermolysis bullosa dystrophica. Also called: Dystrophic epidermolysis bullosa; Dystrophic epidermolysis bullosa, Hallopeau-Siemens type (formerly). Identifiers: Orphanet 303, MedGen C0079294, MONDO:0006543.

Allele frequency attached by ClinVar (database versions not stated): TOPMed 0.00008; gnomAD 0.00015; gnomAD exomes 0.00015; ExAC 0.00017.
gnomAD v4.1: 242 of 1,612,728 alleles (0.015%); highest among the groups gnomAD compares: Non-Finnish European, 0.019%; no homozygotes.

Submissions (3):

Labcorp Genetics (formerly Invitae), Labcorp
Classification: Likely benign. Last evaluated: 2026-02-01. Review status: criteria provided, single submitter. Criteria: Invitae Variant Classification Sherloc (09022015). Collection method: clinical testing. Allele origin: germline.

PreventionGenetics, part of Exact Sciences
Classification: Uncertain significance for COL7A1-related condition. Last evaluated: 2025-12-17. Review status: criteria provided, single submitter. Criteria: ACMG Guidelines, 2015. Collection method: clinical testing. Allele origin: germline.
Comment: The COL7A1 c.2662G>C variant is predicted to result in the amino acid substitution p.Glu888Gln. To our knowledge, this variant has not been reported in the literature. This variant is reported in 0.036% of alleles in individuals of European (Non-Finnish) descent in gnomAD. At this time, the clinical significance of this variant is uncertain due to the absence of conclusive functional and genetic evidence.

Illumina Laboratory Services, Illumina
Classification: Uncertain significance for Dystrophic epidermolysis bullosa. Last evaluated: 2018-01-13. Review status: criteria provided, single submitter. Criteria: ICSL Variant Classification Criteria 13 December 2019. Collection method: clinical testing. Allele origin: germline.